The following is an entry in ClinVar:

ClinVar aggregate classification (germline): Uncertain significance. Review status: criteria provided, multiple submitters, no conflicts (2 of 4 stars). 4 submissions from 4 submitters: Uncertain significance (4). Last evaluated 2024-12-04.

Conditions:
Hereditary cancer-predisposing syndrome. Also called: Tumor predisposition; Hereditary neoplastic syndrome; Hereditary Cancer Syndrome; Neoplastic Syndromes, Hereditary. Identifiers: Orphanet 140162, MedGen C0027672, MeSH D009386, MONDO:0015356.
Familial adenomatous polyposis 1 (FAP1). Also called: POLYPOSIS, ADENOMATOUS INTESTINAL; FAMILIAL ADENOMATOUS POLYPOSIS 1, ATTENUATED. Identifiers: MedGen C2713442, MONDO:0021056, OMIM 175100. Disease mechanism: loss of function.

Allele frequency attached by ClinVar (database versions not stated): gnomAD exomes below 0.00001.
gnomAD v4.1: 1 of 1,614,204 alleles (0.000062%); highest among the groups gnomAD compares: Non-Finnish European, 0.000085%; no homozygotes.

Submissions (4):

Labcorp Genetics (formerly Invitae), Labcorp
Classification: Uncertain significance for Familial adenomatous polyposis 1. Last evaluated: 2024-12-04. Review status: criteria provided, single submitter. Criteria: Invitae Variant Classification Sherloc (09022015). Collection method: clinical testing. Allele origin: germline.
Comment: This sequence change replaces methionine, which is neutral and non-polar, with valine, which is neutral and non-polar, at codon 819 of the APC protein (p.Met819Val). This variant is present in population databases (rs764752578, gnomAD 0.0009%). This variant has not been reported in the literature in individuals affected with APC-related conditions. ClinVar contains an entry for this variant (Variation ID: 936378). Invitae Evidence Modeling of protein sequence and biophysical properties (such as structural, functional, and spatial information, amino acid conservation, physicochemical variation, residue mobility, and thermodynamic stability) indicates that this missense variant is not expected to disrupt APC protein function with a negative predictive value of 95%. In summary, the available evidence is currently insufficient to determine the role of this variant in disease. Therefore, it has been classified as a Variant of Uncertain Significance.

Baylor Genetics
Classification: Uncertain significance for Familial adenomatous polyposis 1. Last evaluated: 2024-03-24. Review status: criteria provided, single submitter. Criteria: ACMG Guidelines, 2015. Collection method: clinical testing. Allele origin: unknown.

Ambry Genetics
Classification: Uncertain significance for Hereditary cancer-predisposing syndrome. Last evaluated: 2022-03-24. Review status: criteria provided, single submitter. Criteria: Ambry Variant Classification Scheme 2023. Collection method: clinical testing. Allele origin: germline.
Comment: The p.M819V variant (also known as c.2455A>G), located in coding exon 15 of the APC gene, results from an A to G substitution at nucleotide position 2455. The methionine at codon 819 is replaced by valine, an amino acid with highly similar properties. This amino acid position is not well conserved in available vertebrate species. In addition, in silico predictors for this gene do not accurately predict pathogenicity. Since supporting evidence is limited at this time, the clinical significance of this alteration remains unclear.

Sema4
Classification: Uncertain significance for Hereditary cancer-predisposing syndrome. Last evaluated: 2022-02-09. Review status: criteria provided, single submitter. Criteria: Sema4 Curation Guidelines. Collection method: curation. Allele origin: germline.
Comment: The APC c.2455A>G (p.M819V) variant has not been reported in the literature to our knowledge. It was observed in 1/113426 chromosomes of the Non-Finnish European population in the large and broad cohorts of the Genome Aggregation Database (PMID: 32461654). This variant has been reported in ClinVar (Variation ID: 936378). Functional studies have not been performed, and in silico predictions of the variant's effect on protein function are inconclusive. The evidence is insufficient to meet ACMG/AMP criteria for classifying the variant as benign or pathogenic. Thus, the clinical significance of this variant is currently uncertain.

NM_000038.6(APC):c.2455A>G (p.Met819Val)

Gene: APC (APC regulator of Wnt signaling pathway; plus strand). Cytogenetic location: 5q22.2.
Variant type: single nucleotide variant.
Coding change: c.2455A>G on transcript NM_000038.6 (MANE Select); coding-DNA position 2455, A replaced by G.
Protein change: p.Met819Val; replaces methionine 819 with valine.
Molecular consequence: missense variant.
Genome position (GRCh38, 1-based): chr5:112,838,049, A>G. VCF-style: chr5-112838049-A-G. GRCh37 (hg19) VCF-style: chr5-112173746-A-G.
Other names: c.2455A>G, p.Met819Val (NM_001127510.3, NM_001354895.2); c.2401A>G, p.Met801Val (NM_001127511.3); c.2509A>G, p.Met837Val (NM_001354896.2); c.2485A>G, p.Met829Val (NM_001354897.2); c.2380A>G, p.Met794Val (NM_001354898.2); c.2371A>G, p.Met791Val (NM_001354899.2); c.2332A>G, p.Met778Val (NM_001354900.2); c.2278A>G, p.Met760Val (NM_001354901.2); and 5 more; short protein forms M536V, M659V, M819V, M829V, M728V, M760V, M693V, M718V.
Identifiers: ClinVar variation 936378 (VCV000936378.12), dbSNP rs764752578, ClinGen allele CA032121.